The following is an entry in ClinVar:

ClinVar aggregate classification (germline): Pathogenic (1 of 4 stars; one submission).

Conditions:
BAP1-related tumor predisposition syndrome (TPDS1). Also called: Tumor susceptibility linked to germline BAP1 mutations; TUMOR PREDISPOSITION SYNDROME 1; BAP1 tumor predisposition syndrome; COMMON Syndrome. Identifiers: Orphanet 289539, MedGen C3280492, MONDO:0013692, OMIM 614327.

Submission:

Labcorp Genetics (formerly Invitae), Labcorp
Classification: Pathogenic for BAP1-related tumor predisposition syndrome. Last evaluated: 2022-07-12. Review status: criteria provided, single submitter. Criteria: Invitae Variant Classification Sherloc (09022015). Collection method: clinical testing. Allele origin: germline.
Comment: This sequence change creates a premature translational stop signal (p.Thr495Profs*75) in the BAP1 gene. It is expected to result in an absent or disrupted protein product. Loss-of-function variants in BAP1 are known to be pathogenic (PMID: 21874000, 23684012). This variant is not present in population databases (gnomAD no frequency). This variant has not been reported in the literature in individuals affected with BAP1-related conditions. ClinVar contains an entry for this variant (Variation ID: 1434392). Algorithms developed to predict the effect of sequence changes on RNA splicing suggest that this variant may create or strengthen a splice site. For these reasons, this variant has been classified as Pathogenic.

Literature cited by the submitters: PubMed 21874000; PubMed 23684012.

NM_004656.4(BAP1):c.1483_1486del (p.Thr495fs)

Gene: BAP1 (BRCA1 associated deubiquitinase 1; minus strand). Cytogenetic location: 3p21.1.
Variant type: Deletion.
Coding change: c.1483_1486del on transcript NM_004656.4 (MANE Select); coding-DNA positions 1483 to 1486, 4 bases deleted (ACGG; older notation c.1483_1486delACGG).
Protein change: p.Thr495fs; shifts the reading frame from threonine 495.
Molecular consequence: frameshift variant.
Genome position (GRCh38, 1-based): chr3:52,403,659-52,403,662, CCGT deleted on the plus strand (ACGG on the coding strand, the reverse complement: BAP1 is on the minus strand). VCF-style (leftmost placement, unchanged base first): chr3-52403658-GCCGT-G. GRCh37 (hg19) VCF-style: chr3-52437674-GCCGT-G.
Other names: short protein forms T495fs.
Identifiers: ClinVar variation 1434392 (VCV001434392.6), dbSNP rs2153226696, ClinGen allele CA2573137326.